The following is an entry in ClinVar:

ClinVar aggregate classification (germline): Uncertain significance (1 of 4 stars; one submission).

Conditions:
Hereditary cancer-predisposing syndrome. Also called: Neoplastic Syndromes, Hereditary; Tumor predisposition; Hereditary neoplastic syndrome; Hereditary Cancer Syndrome. Identifiers: Orphanet 140162, MedGen C0027672, MeSH D009386, MONDO:0015356.

Submission:

Ambry Genetics
Classification: Uncertain significance for Hereditary cancer-predisposing syndrome. Last evaluated: 2022-11-10. Review status: criteria provided, single submitter. Criteria: Ambry Variant Classification Scheme 2023. Collection method: clinical testing. Allele origin: germline.
Comment: The p.P1536L variant (also known as c.4607C>T), located in coding exon 31 of the SMARCA4 gene, results from a C to T substitution at nucleotide position 4607. The proline at codon 1536 is replaced by leucine, an amino acid with similar properties. This amino acid position is highly conserved in available vertebrate species. In addition, this alteration is predicted to be deleterious by in silico analysis. Missense and in-frame variants in SMARCA4 are known to cause neurodevelopmental disorders; however, such associations with rhabdoid tumor predisposition syndrome including small cell carcinoma of the ovary-hypercalcemic type (SCCOHT) are exceedingly rare (Kosho T et al. Am J Med Genet C Semin Med Genet. 2014 Sep;166C(3):262-75; Jelinic P et al. Nat Genet. 2014 May;46(5):424-6). Since supporting evidence is limited at this time, the clinical significance of this alteration remains unclear.

NM_003072.5(SMARCA4):c.4511C>T (p.Pro1504Leu)

Gene: SMARCA4 (SWI/SNF related BAF chromatin remodeling complex subunit ATPase 4; plus strand). Cytogenetic location: 19p13.2.
Variant type: single nucleotide variant.
Coding change: c.4511C>T on transcript NM_003072.5 (MANE Select); coding-DNA position 4511, C replaced by T.
Protein change: p.Pro1504Leu; replaces proline 1504 with leucine.
Molecular consequence: missense variant. On other transcripts: non-coding transcript variant (1).
Genome position (GRCh38, 1-based): chr19:11,058,341, C>T. VCF-style: chr19-11058341-C-T. GRCh37 (hg19) VCF-style: chr19-11169017-C-T.
Other names: c.4511C>T, p.Pro1504Leu (NM_001128844.3); c.4421C>T, p.Pro1474Leu (NM_001128845.2); c.4418C>T, p.Pro1473Leu (NM_001128846.2); c.4412C>T, p.Pro1471Leu (NM_001128847.4, NM_001374457.1); c.4409C>T, p.Pro1470Leu (NM_001128848.2); c.4607C>T, p.Pro1536Leu (NM_001128849.3, NM_001387283.1); c.4508C>T, p.Pro1503Leu (NM_001411150.1); short protein forms P1471L, P1474L, P1536L, P1470L, P1503L, P1504L, P1473L.
Identifiers: ClinVar variation 2452838 (VCV002452838.2), dbSNP rs2147087914, ClinGen allele CA404077842.
Genomic context (GRCh38, chr19:11,058,341, plus strand): 5'-TCTTCATCCAGCTGCCCTCGCGAAAGGAGCTGCCCGAGTACTACGAGCTCATCCGCAAGC[C>T]CGTGGACTTCAAGAAGATAAAGGTAACCCTGACGTTGTACCTGCGCCCCGCATGTGCCCG-3'
Protein context (NP_003063.2, residues 1494-1514): LPEYYELIRK[Pro1504Leu]VDFKKIKERI